The following is an entry in ClinVar:

ClinVar aggregate classification (germline): Uncertain significance (1 of 4 stars; one submission).

gnomAD v4.1: 5 of 1,614,058 alleles (0.00031%); highest among the groups gnomAD compares: Non-Finnish European, 0.00042%; no homozygotes.

Submission:

GeneDx
Classification: Uncertain significance. Last evaluated: 2025-03-02. Review status: criteria provided, single submitter. Criteria: GeneDx Variant Classification Process June 2021. Collection method: clinical testing. Allele origin: germline.
Comment: Not observed at significant frequency in large population cohorts (gnomAD); In silico analysis supports that this missense variant has a deleterious effect on protein structure/function; Has not been previously published as pathogenic or benign to our knowledge

NM_005529.7(HSPG2):c.7496G>A (p.Gly2499Glu)

Gene: HSPG2 (heparan sulfate proteoglycan 2; minus strand). Cytogenetic location: 1p36.12.
Variant type: single nucleotide variant.
Coding change: c.7496G>A on transcript NM_005529.7 (MANE Select); coding-DNA position 7496, G replaced by A.
Protein change: p.Gly2499Glu; replaces glycine 2499 with glutamic acid.
Molecular consequence: missense variant.
Genome position (GRCh38, 1-based): chr1:21,848,982, C>T on the plus strand (G>A on the coding strand, the complement: HSPG2 is on the minus strand). VCF-style: chr1-21848982-C-T. GRCh37 (hg19) VCF-style: chr1-22175475-C-T.
Other names: c.7499G>A, p.Gly2500Glu (NM_001291860.2); short protein forms G2499E, G2500E.
Identifiers: ClinVar variation 3390645 (VCV003390645.2).